The following is an entry in ClinVar:

NM_001283009.2(RTEL1):c.615-79G>A

Genes: RTEL1 (regulator of telomere elongation helicase 1; plus strand), RTEL1-TNFRSF6B (RTEL1-TNFRSF6B readthrough (NMD candidate); plus strand). Cytogenetic location: 20q13.33.
Variant type: single nucleotide variant.
Coding change: c.615-79G>A on transcript NM_001283009.2 (MANE Select); 79 bases into the intron before coding-DNA position 615, G replaced by A.
Molecular consequence: intron variant.
Genome position (GRCh38, 1-based): chr20:63,667,390, G>A. VCF-style: chr20-63667390-G-A. GRCh37 (hg19) VCF-style: chr20-62298743-G-A.
Other names: c.-55-79G>A (NM_001283010.1); c.687-79G>A (NM_032957.5); c.615-79G>A (NM_016434.4).
Identifiers: ClinVar variation 3775397 (VCV003775397.1).

ClinVar aggregate classification (germline): Uncertain significance (1 of 4 stars; one submission).

Conditions:
Dyskeratosis congenita, autosomal recessive 5 (DKCB5). Identifiers: MedGen C3554656, MONDO:0014076, OMIM 615190.

gnomAD v4.1: 12 of 1,132,404 alleles (0.0011%); highest among the groups gnomAD compares: Middle Eastern, 0.019%; no homozygotes.

Submission:

3billion
Classification: Uncertain significance for Dyskeratosis congenita, autosomal recessive 5. Last evaluated: 2023-08-30. Review status: criteria provided, single submitter. Criteria: ACMG Guidelines, 2015. Collection method: clinical testing. Allele origin: germline. Affected: yes.
Comment: The variant is not observed in the gnomAD v2.1.1 dataset. Predicted Consequence/Location: Intron variant Intron variant predicted in silico to alter splicing and result in a premature termination. However, the prediction score(Splice AI: 0.27) is not significant and therefore functional studies should be performed to observe the exact consequence. Therefore, this variant is classified as VUS according to the recommendation of ACMG/AMP guideline.